The following is an entry in ClinVar:

ClinVar aggregate classification (germline): Uncertain significance (1 of 4 stars; one submission).

Allele frequency attached by ClinVar (database versions not stated): TOPMed 0.00001.

Submission:

Labcorp Genetics (formerly Invitae), Labcorp
Classification: Uncertain significance. Last evaluated: 2022-08-21. Review status: criteria provided, single submitter. Criteria: Invitae Variant Classification Sherloc (09022015). Collection method: clinical testing. Allele origin: germline.
Comment: In summary, the available evidence is currently insufficient to determine the role of this variant in disease. Therefore, it has been classified as a Variant of Uncertain Significance. Algorithms developed to predict the effect of missense changes on protein structure and function are either unavailable or do not agree on the potential impact of this missense change (SIFT: "Tolerated"; PolyPhen-2: "Not Available"; Align-GVGD: "Class C0"). This variant has not been reported in the literature in individuals affected with PTPN23-related conditions. This variant is not present in population databases (gnomAD no frequency). This sequence change replaces asparagine, which is neutral and polar, with aspartic acid, which is acidic and polar, at codon 37 of the PTPN23 protein (p.Asn37Asp).

NM_015466.4(PTPN23):c.109A>G (p.Asn37Asp)

Gene: PTPN23 (protein tyrosine phosphatase non-receptor type 23; plus strand). Cytogenetic location: 3p21.31.
Variant type: single nucleotide variant.
Coding change: c.109A>G on transcript NM_015466.4 (MANE Select); coding-DNA position 109, A replaced by G.
Protein change: p.Asn37Asp; replaces asparagine 37 with aspartic acid.
Molecular consequence: missense variant. On other transcripts: 5 prime UTR variant (1).
Genome position (GRCh38, 1-based): chr3:47,396,167, A>G. VCF-style: chr3-47396167-A-G. GRCh37 (hg19) VCF-style: chr3-47437657-A-G.
Other names: c.-142A>G (NM_001304482.2); short protein forms N37D.
Identifiers: ClinVar variation 1933658 (VCV001933658.5), dbSNP rs1049750741, ClinGen allele CA73860965.
Genomic context (GRCh38, chr3:47,396,167, plus strand): 5'-TCTCTGCCACTGGCTTATGTTCTTCTCTCTCTGTAGTTTGTCCTGAAGAATTATGGAGAG[A>G]ACCCAGAAGCCTACAATGAAGAACTGAAGAAGCTGGAGTTGCTCAGACAGGTAGGAGGAT-3'
Protein context (NP_056281.1, residues 27-47): KKFVLKNYGE[Asn37Asp]PEAYNEELKK